The following is an entry in ClinVar:

ClinVar aggregate classification (germline): Uncertain significance. Review status: criteria provided, multiple submitters, no conflicts (2 of 4 stars). 2 submissions from 2 submitters: Uncertain significance (2). Last evaluated 2025-10-29.

Conditions:
Inborn genetic diseases. Identifiers: MedGen C0950123, MeSH D030342.

Allele frequency attached by ClinVar (database versions not stated): gnomAD exomes below 0.00001; gnomAD 0.00001; TOPMed 0.00001.
gnomAD v4.1: 7 of 1,614,038 alleles (0.00043%); highest among the groups gnomAD compares: African/African-American, 0.0067%; no homozygotes.

Submissions (2):

Ambry Genetics
Classification: Uncertain significance for Inborn genetic diseases. Last evaluated: 2025-10-29. Review status: criteria provided, single submitter. Criteria: Ambry Variant Classification Scheme 2023. Collection method: clinical testing. Allele origin: germline.

Labcorp Genetics (formerly Invitae), Labcorp
Classification: Uncertain significance. Last evaluated: 2024-04-03. Review status: criteria provided, single submitter. Criteria: Invitae Variant Classification Sherloc (09022015). Collection method: clinical testing. Allele origin: germline.
Comment: This sequence change replaces tyrosine, which is neutral and polar, with cysteine, which is neutral and slightly polar, at codon 182 of the FOCAD protein (p.Tyr182Cys). This variant is not present in population databases (gnomAD no frequency). This variant has not been reported in the literature in individuals affected with FOCAD-related conditions. ClinVar contains an entry for this variant (Variation ID: 2339044). In summary, the available evidence is currently insufficient to determine the role of this variant in disease. Therefore, it has been classified as a Variant of Uncertain Significance.

NM_001375567.1(FOCAD):c.545A>G (p.Tyr182Cys)

Gene: FOCAD (focadhesin; plus strand). Cytogenetic location: 9p21.3.
Variant type: single nucleotide variant.
Coding change: c.545A>G on transcript NM_001375567.1 (MANE Select); coding-DNA position 545, A replaced by G.
Protein change: p.Tyr182Cys; replaces tyrosine 182 with cysteine.
Molecular consequence: missense variant.
Genome position (GRCh38, 1-based): chr9:20,764,919, A>G. VCF-style: chr9-20764919-A-G. GRCh37 (hg19) VCF-style: chr9-20764918-A-G.
Other names: c.545A>G, p.Tyr182Cys (NM_001375568.1, NM_017794.5); c.440A>G, p.Tyr147Cys (NM_001375570.1); short protein forms Y147C, Y182C.
Identifiers: ClinVar variation 2339044 (VCV002339044.5), dbSNP rs957948486, ClinGen allele CA190562760.